The following is an entry in ClinVar:

NM_006767.4(LZTR1):c.2348C>T (p.Thr783Met)

Gene: LZTR1 (leucine zipper like post translational regulator 1; plus strand). Cytogenetic location: 22q11.21.
Variant type: single nucleotide variant.
Coding change: c.2348C>T on transcript NM_006767.4 (MANE Select); coding-DNA position 2348, C replaced by T.
Protein change: p.Thr783Met; replaces threonine 783 with methionine.
Molecular consequence: missense variant.
Genome position (GRCh38, 1-based): chr22:20,996,908, C>T. VCF-style: chr22-20996908-C-T. GRCh37 (hg19) VCF-style: chr22-21351197-C-T.
Other names: short protein forms T783M.
Identifiers: ClinVar variation 1042615 (VCV001042615.8), dbSNP rs143507674, ClinGen allele CA322273767.

ClinVar aggregate classification (germline): Uncertain significance (1 of 4 stars; one submission).

Allele frequency attached by ClinVar (database versions not stated): gnomAD 0.00002; TOPMed 0.00002; ESP Exome Variant Server 0.00008.
gnomAD v4.1: 13 of 1,612,454 alleles (0.00081%); highest among the groups gnomAD compares: Middle Eastern, 0.016%; no homozygotes.

Submission:

Labcorp Genetics (formerly Invitae), Labcorp
Classification: Uncertain significance. Last evaluated: 2026-01-04. Review status: criteria provided, single submitter. Criteria: Invitae Variant Classification Sherloc (09022015). Collection method: clinical testing. Allele origin: germline.
Comment: This sequence change replaces threonine, which is neutral and polar, with methionine, which is neutral and non-polar, at codon 783 of the LZTR1 protein (p.Thr783Met). This variant is not present in population databases (gnomAD no frequency). This variant has not been reported in the literature in individuals affected with LZTR1-related conditions. ClinVar contains an entry for this variant (Variation ID: 1042615). Invitae Evidence Modeling of protein sequence and biophysical properties (such as structural, functional, and spatial information, amino acid conservation, physicochemical variation, residue mobility, and thermodynamic stability) indicates that this missense variant is not expected to disrupt LZTR1 protein function with a negative predictive value of 80%. In summary, the available evidence is currently insufficient to determine the role of this variant in disease. Therefore, it has been classified as a Variant of Uncertain Significance.